The following is an entry in ClinVar:

ClinVar aggregate classification (germline): Uncertain significance (1 of 4 stars; one submission).

Conditions:
Warts, hypogammaglobulinemia, infections, and myelokathexis. Also called: WHIM syndrome. Identifiers: MedGen C0472817, MONDO:0023880.

Allele frequency attached by ClinVar (database versions not stated): gnomAD exomes below 0.00001.
gnomAD v4.1: 2 of 1,613,868 alleles (0.00012%); highest among the groups gnomAD compares: Non-Finnish European, 0.00017%; no homozygotes.

Submission:

Labcorp Genetics (formerly Invitae), Labcorp
Classification: Uncertain significance for Warts, hypogammaglobulinemia, infections, and myelokathexis. Last evaluated: 2022-05-25. Review status: criteria provided, single submitter. Criteria: Invitae Variant Classification Sherloc (09022015). Collection method: clinical testing. Allele origin: germline.
Comment: This sequence change replaces glycine, which is neutral and non-polar, with arginine, which is basic and polar, at codon 323 of the CXCR4 protein (p.Gly323Arg). In summary, the available evidence is currently insufficient to determine the role of this variant in disease. Therefore, it has been classified as a Variant of Uncertain Significance. Algorithms developed to predict the effect of missense changes on protein structure and function are either unavailable or do not agree on the potential impact of this missense change (SIFT: "Tolerated"; PolyPhen-2: "Probably Damaging"; Align-GVGD: "Class C0"). This variant has not been reported in the literature in individuals affected with CXCR4-related conditions. This variant is not present in population databases (gnomAD no frequency).

NM_003467.3(CXCR4):c.967G>A (p.Gly323Arg)

Gene: CXCR4 (C-X-C motif chemokine receptor 4; minus strand). Cytogenetic location: 2q22.1.
Variant type: single nucleotide variant.
Coding change: c.967G>A on transcript NM_003467.3 (MANE Select); coding-DNA position 967, G replaced by A.
Protein change: p.Gly323Arg; replaces glycine 323 with arginine.
Molecular consequence: missense variant.
Genome position (GRCh38, 1-based): chr2:136,114,961, C>T on the plus strand (G>A on the coding strand, the complement: CXCR4 is on the minus strand). VCF-style: chr2-136114961-C-T. GRCh37 (hg19) VCF-style: chr2-136872531-C-T.
Other names: c.979G>A, p.Gly327Arg (NM_001008540.2); c.1180G>A, p.Gly394Arg (NM_001348056.2); c.1066G>A, p.Gly356Arg (NM_001348059.2); c.922G>A, p.Gly308Arg (NM_001348060.2); short protein forms G323R, G327R, G356R, G308R, G394R.
Identifiers: ClinVar variation 1954855 (VCV001954855.5), dbSNP rs1684840909, ClinGen allele CA348657568.